The following is an entry in ClinVar:

NM_001256071.3(RNF213):c.14292del (p.Val4765fs)

Genes: RNF213 (ring finger protein 213; plus strand), RNF213-AS1 (RNF213 antisense RNA 1; minus strand). Cytogenetic location: 17q25.3.
Variant type: Deletion.
Coding change: c.14292del on transcript NM_001256071.3 (MANE Select); coding-DNA position 14292, one base deleted (A; older notation c.14292delA).
Protein change: p.Val4765fs; shifts the reading frame from valine 4765.
Molecular consequence: frameshift variant.
Genome position (GRCh38, 1-based): chr17:80,383,898, A deleted. VCF-style (leftmost placement, unchanged base first): chr17-80383897-GA-G. GRCh37 (hg19) VCF-style: chr17-78357697-GA-G.
Other names: c.14439del, p.Val4814fs (NM_001410195.1, NM_020914.5); short protein forms V4765fs, V4814fs.
Identifiers: ClinVar variation 3359636 (VCV003359636.1).
Genomic context (GRCh38, chr17:80,383,897, plus strand): 5'-GGAAAAGAATTACAGTTGAGTACCTCCAGCACATTGTGGAACAGAAAAATGGCAAAGAAA[GA>G]GTGCCCATCCTCTGGCATTTCCTGCAGAAGGTATGTCTGGCTTACTGTGGCTCCCTCCCT-3'

ClinVar aggregate classification (germline): Uncertain significance (1 of 4 stars; one submission).

Submission:

GeneDx
Classification: Uncertain significance. Last evaluated: 2023-06-11. Review status: criteria provided, single submitter. Criteria: GeneDx Variant Classification Process June 2021. Collection method: clinical testing. Allele origin: germline. Affected: yes.
Comment: Frameshift variant predicted to result in protein truncation or nonsense mediated decay in a gene or region of a gene for which loss of function is not a well-established mechanism of disease; Not observed at significant frequency in large population cohorts (gnomAD); Has not been previously published as pathogenic or benign to our knowledge